The following is an entry in ClinVar:

NM_203446.3(SYNJ1):c.*491A>C

Gene: SYNJ1 (synaptojanin 1; minus strand). Cytogenetic location: 21q22.11.
Variant type: single nucleotide variant.
Coding change: c.*491A>C on transcript NM_203446.3 (MANE Select); 491 bases downstream of the stop codon, A replaced by C.
Molecular consequence: 3 prime UTR variant. On other transcripts: missense variant (2).
Genome position (GRCh38, 1-based): chr21:32,631,314, T>G on the plus strand (A>C on the coding strand, the complement: SYNJ1 is on the minus strand). VCF-style: chr21-32631314-T-G. GRCh37 (hg19) VCF-style: chr21-34003624-T-G.
Other names: c.*491A>C (NM_001160302.2); c.4262A>C, p.Gln1421Pro (NM_001160306.2); c.4520A>C, p.Gln1507Pro (NM_003895.4); short protein forms Q1507P, Q1421P.
Identifiers: ClinVar variation 647401 (VCV000647401.6), dbSNP rs776115769, ClinGen allele CA10003106.

ClinVar aggregate classification (germline): Uncertain significance (1 of 4 stars; one submission).

Conditions:
Developmental and epileptic encephalopathy, 53. Also called: Epileptic encephalopathy, early infantile, 53. Identifiers: MedGen C4479313, MONDO:0033362, OMIM 617389.
Early-onset Parkinson disease 20. Also called: PARKINSON DISEASE 20, AUTOSOMAL RECESSIVE EARLY-ONSET. Identifiers: Orphanet 391411, MedGen C3809824, MONDO:0014233, OMIM 615530.

Allele frequency attached by ClinVar (database versions not stated): ExAC 0.00001; gnomAD exomes 0.00001 and 0.00002; gnomAD 0.00002; TOPMed 0.00002.

Submission:

Labcorp Genetics (formerly Invitae), Labcorp
Classification: Uncertain significance for Developmental and epileptic encephalopathy, 53; Early-onset Parkinson disease 20. Last evaluated: 2022-08-20. Review status: criteria provided, single submitter. Criteria: Invitae Variant Classification Sherloc (09022015). Collection method: clinical testing. Allele origin: germline.
Comment: This sequence change replaces glutamine, which is neutral and polar, with proline, which is neutral and non-polar, at codon 1507 of the SYNJ1 protein (p.Gln1507Pro). This variant is present in population databases (rs776115769, gnomAD 0.003%). This variant has not been reported in the literature in individuals affected with SYNJ1-related conditions. ClinVar contains an entry for this variant (Variation ID: 647401). Algorithms developed to predict the effect of missense changes on protein structure and function (SIFT, PolyPhen-2, Align-GVGD) all suggest that this variant is likely to be tolerated. In summary, the available evidence is currently insufficient to determine the role of this variant in disease. Therefore, it has been classified as a Variant of Uncertain Significance.